The following is an entry in ClinVar:

NM_182914.3(SYNE2):c.15253G>A (p.Val5085Met)

Gene: SYNE2 (spectrin repeat containing nuclear envelope protein 2; plus strand). Cytogenetic location: 14q23.2.
Variant type: single nucleotide variant.
Coding change: c.15253G>A on transcript NM_182914.3 (MANE Select); coding-DNA position 15253, G replaced by A.
Protein change: p.Val5085Met; replaces valine 5085 with methionine.
Molecular consequence: missense variant.
Genome position (GRCh38, 1-based): chr14:64,142,035, G>A. VCF-style: chr14-64142035-G-A. GRCh37 (hg19) VCF-style: chr14-64608753-G-A.
Other names: c.15253G>A, p.Val5085Met (NM_015180.6); short protein forms V5085M.
Identifiers: ClinVar variation 881821 (VCV000881821.9), dbSNP rs144471413, ClinGen allele CA7223029.

ClinVar aggregate classification (germline): Conflicting classifications of pathogenicity. Review status: criteria provided, conflicting classifications (1 of 4 stars). 3 submissions from 3 submitters: Uncertain significance (1); Benign (1); Likely benign (1). Last evaluated 2025-09-29.

Conditions:
Emery-Dreifuss muscular dystrophy 5, autosomal dominant (EDMD5). Also called: EMERY-DREIFUSS MUSCULAR DYSTROPHY 5. Identifiers: Orphanet 261, MedGen C2751805, MONDO:0013072, OMIM 612999.

Allele frequency attached by ClinVar (database versions not stated): TOPMed 0.00002; gnomAD 0.00003 and 0.00004; ESP Exome Variant Server 0.00008; gnomAD exomes 0.00008 and 0.00014; ExAC 0.00017.
gnomAD v4.1: 118 of 1,613,912 alleles (0.0073%); highest among the groups gnomAD compares: South Asian, 0.06%; 1 homozygote.

Submissions (3):

Labcorp Genetics (formerly Invitae), Labcorp
Classification: Likely benign for Emery-Dreifuss muscular dystrophy 5, autosomal dominant. Last evaluated: 2025-09-29. Review status: criteria provided, single submitter. Criteria: Invitae Variant Classification Sherloc (09022015). Collection method: clinical testing. Allele origin: germline.

Ambry Genetics
Classification: Uncertain significance. Last evaluated: 2024-12-21. Review status: criteria provided, single submitter. Criteria: Ambry Variant Classification Scheme 2023. Collection method: clinical testing. Allele origin: germline.

Illumina Laboratory Services, Illumina
Classification: Benign for Emery-Dreifuss muscular dystrophy 5, autosomal dominant. Last evaluated: 2018-01-12. Review status: criteria provided, single submitter. Criteria: ICSL Variant Classification Criteria 13 December 2019. Collection method: clinical testing. Allele origin: germline.
Comment: This variant was observed in the ICSL laboratory as part of a predisposition screen in an ostensibly healthy population. It had not been previously curated by ICSL or reported in the Human Gene Mutation Database (HGMD: prior to June 1st, 2018), and was therefore a candidate for classification through an automated scoring system. Utilizing variant allele frequency, disease prevalence and penetrance estimates, and inheritance mode, an automated score was calculated to assess if this variant is too frequent to cause the disease. Based on the score and internal cut-off values, a variant classified as benign is not then subjected to further curation. The score for this variant resulted in a classification of benign for this disease.